The following is an entry in ClinVar:

NM_005476.7(GNE):c.1460A>G (p.His487Arg)

Gene: GNE (glucosamine (UDP-N-acetyl)-2-epimerase/N-acetylmannosamine kinase; minus strand). Cytogenetic location: 9p13.3.
Variant type: single nucleotide variant.
Coding change: c.1460A>G on transcript NM_005476.7 (MANE Select); coding-DNA position 1460, A replaced by G.
Protein change: p.His487Arg; replaces histidine 487 with arginine.
Molecular consequence: missense variant. On other transcripts: intron variant (1).
Genome position (GRCh38, 1-based): chr9:36,222,950, T>C on the plus strand (A>G on the coding strand, the complement: GNE is on the minus strand). VCF-style: chr9-36222950-T-C. GRCh37 (hg19) VCF-style: chr9-36222947-T-C.
Other names: c.1553A>G, p.His518Arg (NM_001128227.3); c.1130A>G, p.His377Arg (NM_001190384.3); c.1283A>G, p.His428Arg (NM_001190388.2, NM_001374798.1); c.1411+423A>G (NM_001190383.3); c.1307A>G, p.His436Arg (NM_001374797.1); short protein forms H436R, H377R, H487R, H428R, H518R.
Identifiers: ClinVar variation 2941698 (VCV002941698.3), dbSNP rs1828671975, ClinGen allele CA373426773.

ClinVar aggregate classification (germline): Uncertain significance (1 of 4 stars; one submission).

Conditions:
Sialuria. Also called: SIALURIA, FRENCH TYPE; Sialic Acid Storage Disease. Identifiers: Orphanet 3166, MedGen C0342853, MONDO:0010028, OMIM 269921.
GNE myopathy (NM). Also called: NONAKA DISTAL MYOPATHY; INCLUSION BODY MYOPATHY, HEREDITARY, AUTOSOMAL RECESSIVE; INCLUSION BODY MYOPATHY 2, AUTOSOMAL RECESSIVE; MYOPATHY, DISTAL, WITH OR WITHOUT RIMMED VACUOLES; IBM 2; Inclusion body myopathy autosomal recessive. Identifiers: Orphanet 602, MedGen C1853926, MONDO:0011603, OMIM 605820.

Allele frequency attached by ClinVar (database versions not stated): TOPMed below 0.00001.
gnomAD v4.1: 1 of 1,614,170 alleles (0.000062%); highest among the groups gnomAD compares: South Asian, 0.0011%; no homozygotes.

Submission:

Labcorp Genetics (formerly Invitae), Labcorp
Classification: Uncertain significance for Sialuria; GNE myopathy. Last evaluated: 2022-11-20. Review status: criteria provided, single submitter. Criteria: Invitae Variant Classification Sherloc (09022015). Collection method: clinical testing. Allele origin: germline.
Comment: This variant has not been reported in the literature in individuals affected with GNE-related conditions. This sequence change replaces histidine, which is basic and polar, with arginine, which is basic and polar, at codon 518 of the GNE protein (p.His518Arg). This variant is not present in population databases (gnomAD no frequency). Algorithms developed to predict the effect of missense changes on protein structure and function output the following: SIFT: "Deleterious"; PolyPhen-2: "Probably Damaging"; Align-GVGD: "Class C25". The arginine amino acid residue is found in multiple mammalian species, which suggests that this missense change does not adversely affect protein function. In summary, the available evidence is currently insufficient to determine the role of this variant in disease. Therefore, it has been classified as a Variant of Uncertain Significance.